The following is an entry in ClinVar:

NM_004415.4(DSP):c.8317A>G (p.Ile2773Val)

Gene: DSP (desmoplakin; plus strand). Cytogenetic location: 6p24.3.
Variant type: single nucleotide variant.
Coding change: c.8317A>G on transcript NM_004415.4 (MANE Select); coding-DNA position 8317, A replaced by G.
Protein change: p.Ile2773Val; replaces isoleucine 2773 with valine.
Molecular consequence: missense variant.
Genome position (GRCh38, 1-based): chr6:7,585,579, A>G. VCF-style: chr6-7585579-A-G. GRCh37 (hg19) VCF-style: chr6-7585812-A-G.
Other names: c.6520A>G, p.Ile2174Val (NM_001008844.3); c.6988A>G, p.Ile2330Val (NM_001319034.2); short protein forms I2174V, I2330V, I2773V.
Identifiers: ClinVar variation 1801995 (VCV001801995.3), dbSNP rs2533951049, ClinGen allele CA362694904.

ClinVar aggregate classification (germline): Uncertain significance. Review status: criteria provided, multiple submitters, no conflicts (2 of 4 stars). 3 submissions from 3 submitters: Uncertain significance (3). Last evaluated 2023-07-12.

Conditions:
Arrhythmogenic cardiomyopathy with wooly hair and keratoderma. Also called: Carvajal syndrome; PALMOPLANTAR KERATODERMA WITH LEFT VENTRICULAR CARDIOMYOPATHY AND WOOLLY HAIR; Dilated cardiomyopathy with woolly hair and keratoderma; Arrhythmogenic cardiomyopathy with woolly hair and keratoderma. Identifiers: Orphanet 65282, MedGen C1854063, MONDO:0011581, OMIM 605676.

Submissions (3):

Blueprint Genetics
Classification: Uncertain significance. Last evaluated: 2023-07-12. Review status: criteria provided, single submitter. Criteria: ACMG Guidelines, 2015. Collection method: clinical testing. Allele origin: germline.

All of Us Research Program, National Institutes of Health
Classification: Uncertain significance for Arrhythmogenic cardiomyopathy with wooly hair and keratoderma. Last evaluated: 2022-12-02. Review status: criteria provided, single submitter. Criteria: ACMG Guidelines, 2015. Collection method: clinical testing. Allele origin: germline. Inheritance: Autosomal dominant inheritance. Observed: 1 variant allele, 1 heterozygote.
Comment: This missense variant replaces isoleucine with valine at codon 2773 of the DSP protein. Computational prediction suggests that this variant may not impact protein structure and function (internally defined REVEL score threshold <= 0.5, PMID: 27666373). To our knowledge, functional studies have not been reported for this variant. This variant has not been reported in individuals affected with cardiovascular disorders in the literature. This variant has not been identified in the general population by the Genome Aggregation Database (gnomAD). The available evidence is insufficient to determine the role of this variant in disease conclusively. Therefore, this variant is classified as a Variant of Uncertain Significance.

This study involves interpretation of variants in research participants for the purpose of population health screening. Participant phenotype was not available at the time of variant classification. Additional details can be found in publication PMID: 35346344, PMCID: PMC8962531

GeneDx
Classification: Uncertain significance. Last evaluated: 2022-06-02. Review status: criteria provided, single submitter. Criteria: GeneDx Variant Classification Process June 2021. Collection method: clinical testing. Allele origin: germline. Affected: yes.
Comment: Not observed at significant frequency in large population cohorts (gnomAD); In silico analysis supports that this missense variant does not alter protein structure/function; Has not been previously published as pathogenic or benign to our knowledge